The following is an entry in ClinVar:

ClinVar aggregate classification (germline): Uncertain significance (1 of 4 stars; one submission).

Conditions:
Cardiovascular phenotype. Identifiers: MedGen CN230736.

Submission:

Ambry Genetics
Classification: Uncertain significance for Cardiovascular phenotype. Last evaluated: 2020-02-06. Review status: criteria provided, single submitter. Criteria: Ambry Variant Classification Scheme 2023. Collection method: clinical testing. Allele origin: germline.
Comment: The p.D505Y variant (also known as c.1513G>T), located in coding exon 10 of the SOS1 gene, results from a G to T substitution at nucleotide position 1513. The aspartic acid at codon 505 is replaced by tyrosine, an amino acid with highly dissimilar properties. This amino acid position is well conserved in available vertebrate species. In addition, this alteration is predicted to be deleterious by in silico analysis. Since supporting evidence is limited at this time, the clinical significance of this alteration remains unclear.

NM_005633.4(SOS1):c.1513G>T (p.Asp505Tyr)

Gene: SOS1 (SOS Ras/Rac guanine nucleotide exchange factor 1; minus strand). Cytogenetic location: 2p22.1.
Variant type: single nucleotide variant.
Coding change: c.1513G>T on transcript NM_005633.4 (MANE Select); coding-DNA position 1513, G replaced by T.
Protein change: p.Asp505Tyr; replaces aspartic acid 505 with tyrosine.
Molecular consequence: missense variant.
Genome position (GRCh38, 1-based): chr2:39,022,915, C>A on the plus strand (G>T on the coding strand, the complement: SOS1 is on the minus strand). VCF-style: chr2-39022915-C-A. GRCh37 (hg19) VCF-style: chr2-39250056-C-A.
Other names: c.1492G>T, p.Asp498Tyr (NM_001382394.1); c.1513G>T, p.Asp505Tyr (NM_001382395.1); short protein forms D505Y, D498Y.
Identifiers: ClinVar variation 1774273 (VCV001774273.2), dbSNP rs2529036607, ClinGen allele CA346366000.